The following is an entry in ClinVar:

NM_001845.6(COL4A1):c.388-10G>C

Gene: COL4A1 (collagen type IV alpha 1 chain; minus strand). Cytogenetic location: 13q34.
Variant type: single nucleotide variant.
Coding change: c.388-10G>C on transcript NM_001845.6 (MANE Select); 10 bases into the intron before coding-DNA position 388, G replaced by C.
Molecular consequence: intron variant.
Genome position (GRCh38, 1-based): chr13:110,211,932, C>G on the plus strand (G>C on the coding strand, the complement: COL4A1 is on the minus strand). VCF-style: chr13-110211932-C-G. GRCh37 (hg19) VCF-style: chr13-110864279-C-G.
Other names: c.388-10G>C (NM_001303110.2).
Identifiers: ClinVar variation 3032378 (VCV003032378.2), dbSNP rs759535703, ClinGen allele CA2575473203.
Genomic context (GRCh38, chr13:110,211,932, plus strand): 5'-ATTTCCAGCGAAACCAGGCAAGCCAGGAGGCCCGAGCGGCCCTCTCTCCCCCTGGGGAGA[C>G]AGCAGAGCATCATTCATACGCACTGTGTGTGGCAGACACATCAGCCCTGACATCGCATGC-3'

ClinVar aggregate classification (germline): Likely benign (0 of 4 stars; one submission).

Conditions:
COL4A1-related disorder. Also called: COL4A1-related disorders; COL4A1-related condition. Identifiers: MedGen CN376119, MONDO:0800461.

Submission:

PreventionGenetics, part of Exact Sciences
Classification: Likely benign for COL4A1-related condition. Last evaluated: 2023-07-07. Review status: no assertion criteria provided. Collection method: clinical testing. Allele origin: germline.
Comment: This variant is classified as likely benign based on ACMG/AMP sequence variant interpretation guidelines (Richards et al. 2015 PMID: 25741868, with internal and published modifications).